The following is an entry in ClinVar:

ClinVar aggregate classification (germline): Uncertain significance (1 of 4 stars; one submission).

Conditions:
Acute myeloid leukemia (AML). Also called: Acute myeloid leukemia, adult; AML adult; Acute non-lymphocytic leukemia; Acute granulocytic leukemia; Leukemia, acute myelogenous, somatic; Leukemia, acute myeloid, somatic. Identifiers: Orphanet 519, MedGen C0023467, MeSH D015470, MONDO:0018874, OMIM 601626, HP:0004808. Disease mechanism: Constitutively activated FLT3.

Submission:

Labcorp Genetics (formerly Invitae), Labcorp
Classification: Uncertain significance for Acute myeloid leukemia. Last evaluated: 2019-06-16. Review status: criteria provided, single submitter. Criteria: Invitae Variant Classification Sherloc (09022015). Collection method: clinical testing. Allele origin: germline.
Comment: The frequency data for this variant in the population databases is considered unreliable, as metrics indicate insufficient coverage at this position in the ExAC database. In summary, the available evidence is currently insufficient to determine the role of this variant in disease. Therefore, it has been classified as a Variant of Uncertain Significance. Algorithms developed to predict the effect of missense changes on protein structure and function (SIFT, PolyPhen-2, Align-GVGD) all suggest that this variant is likely to be tolerated, but these predictions have not been confirmed by published functional studies and their clinical significance is uncertain. This variant has not been reported in the literature in individuals with CEBPA-related conditions. This sequence change replaces proline with arginine at codon 237 of the CEBPA protein (p.Pro237Arg). The proline residue is weakly conserved and there is a moderate physicochemical difference between proline and arginine.

NM_004364.5(CEBPA):c.710C>G (p.Pro237Arg)

Gene: CEBPA (CCAAT enhancer binding protein alpha; minus strand). Cytogenetic location: 19q13.11.
Variant type: single nucleotide variant.
Coding change: c.710C>G on transcript NM_004364.5 (MANE Select); coding-DNA position 710, C replaced by G.
Protein change: p.Pro237Arg; replaces proline 237 with arginine.
Molecular consequence: missense variant.
Genome position (GRCh38, 1-based): chr19:33,301,705, G>C on the plus strand (C>G on the coding strand, the complement: CEBPA is on the minus strand). VCF-style: chr19-33301705-G-C. GRCh37 (hg19) VCF-style: chr19-33792611-G-C.
Other names: c.353C>G, p.Pro118Arg (NM_001285829.2); c.815C>G, p.Pro272Arg (NM_001287424.2); c.668C>G, p.Pro223Arg (NM_001287435.2); short protein forms P237R, P118R, P223R, P272R.
Identifiers: ClinVar variation 949566 (VCV000949566.10), dbSNP rs1967172281, ClinGen allele CA405274367.